The following is an entry in ClinVar:

NM_004360.5(CDH1):c.1241C>T (p.Thr414Ile)

Gene: CDH1 (cadherin 1; plus strand). Cytogenetic location: 16q22.1.
Variant type: single nucleotide variant.
Coding change: c.1241C>T on transcript NM_004360.5 (MANE Select); coding-DNA position 1241, C replaced by T.
Protein change: p.Thr414Ile; replaces threonine 414 with isoleucine.
Molecular consequence: missense variant. On other transcripts: intron variant (1), 5 prime UTR variant (2).
Genome position (GRCh38, 1-based): chr16:68,813,416, C>T. VCF-style: chr16-68813416-C-T. GRCh37 (hg19) VCF-style: chr16-68847319-C-T.
Other names: c.1241C>T (LRG_301t1); c.1137+1153C>T (NM_001317184.2); c.-375C>T (NM_001317185.2); c.-579C>T (NM_001317186.2); short protein forms T414I.
Identifiers: ClinVar variation 479526 (VCV000479526.16), dbSNP rs755571454, ClinGen allele CA396461524.
Genomic context (GRCh38, chr16:68,813,416, plus strand): 5'-CCACACTGAAAGTGACTGATGCTGATGCCCCCAATACCCCAGCGTGGGAGGCTGTATACA[C>T]CATATTGAATGATGATGGTGGACAATTTGTCGTCACCACAAATCCAGTGAACAACGATGG-3'
Protein context (NP_004351.1, residues 404-424): PNTPAWEAVY[Thr414Ile]ILNDDGGQFV

ClinVar aggregate classification (germline): Conflicting classifications of pathogenicity. Review status: criteria provided, conflicting classifications (1 of 4 stars). 2 submissions from 2 submitters: Uncertain significance (1); Likely benign (1). Last evaluated 2026-06-16.

Conditions:
Hereditary cancer-predisposing syndrome. Also called: Neoplastic Syndromes, Hereditary; Hereditary neoplastic syndrome; Hereditary Cancer Syndrome; Tumor predisposition. Identifiers: Orphanet 140162, MedGen C0027672, MeSH D009386, MONDO:0015356.
Hereditary diffuse gastric adenocarcinoma (HDGC). Also called: DIFFUSE GASTRIC AND LOBULAR BREAST CANCER SYNDROME. Identifiers: Orphanet 26106, MedGen C1708349, MONDO:0007648, OMIM 137215.

gnomAD v4.1: 1 of 1,614,092 alleles (0.000062%); highest among the groups gnomAD compares: East Asian, 0.0022%; no homozygotes.

Submissions (2):

Ambry Genetics
Classification: Likely benign for Hereditary cancer-predisposing syndrome. Last evaluated: 2026-06-16. Review status: criteria provided, single submitter. Criteria: Ambry Variant Classification Scheme 2023. Collection method: clinical testing. Allele origin: germline.

Labcorp Genetics (formerly Invitae), Labcorp
Classification: Uncertain significance for Hereditary diffuse gastric adenocarcinoma. Last evaluated: 2022-09-06. Review status: criteria provided, single submitter. Criteria: Invitae Variant Classification Sherloc (09022015). Collection method: clinical testing. Allele origin: germline.
Comment: In summary, the available evidence is currently insufficient to determine the role of this variant in disease. Therefore, it has been classified as a Variant of Uncertain Significance. Algorithms developed to predict the effect of missense changes on protein structure and function are either unavailable or do not agree on the potential impact of this missense change (SIFT: "Tolerated"; PolyPhen-2: "Possibly Damaging"; Align-GVGD: "Class C0"). ClinVar contains an entry for this variant (Variation ID: 479526). This variant has not been reported in the literature in individuals affected with CDH1-related conditions. This variant is not present in population databases (gnomAD no frequency). This sequence change replaces threonine, which is neutral and polar, with isoleucine, which is neutral and non-polar, at codon 414 of the CDH1 protein (p.Thr414Ile).

Literature cited by the submitters: PubMed 30287823 (cited by Ambry Genetics).